The following is an entry in ClinVar:

NM_001005242.3(PKP2):c.2473A>G (p.Asn825Asp)

Gene: PKP2 (plakophilin 2; minus strand). Cytogenetic location: 12p11.21.
Variant type: single nucleotide variant.
Coding change: c.2473A>G on transcript NM_001005242.3 (MANE Select); coding-DNA position 2473, A replaced by G.
Protein change: p.Asn825Asp; replaces asparagine 825 with aspartic acid.
Molecular consequence: missense variant. On other transcripts: synonymous variant (2).
Genome position (GRCh38, 1-based): chr12:32,792,465, T>C on the plus strand (A>G on the coding strand, the complement: PKP2 is on the minus strand). VCF-style: chr12-32792465-T-C. GRCh37 (hg19) VCF-style: chr12-32945399-T-C.
Other names: c.2283A>G, p.Ser761= (NM_001407155.1); c.2308A>G, p.Asn770Asp (NM_001407156.1); c.2146A>G, p.Asn716Asp (NM_001407158.1, NM_001407159.1); c.1956A>G, p.Ser652= (NM_001407160.1); c.2605A>G, p.Asn869Asp (NM_004572.4); short protein forms N716D, N825D, N770D, N869D.
Identifiers: ClinVar variation 2774072 (VCV002774072.5), dbSNP rs1356472951, ClinGen allele CA384356753.

ClinVar aggregate classification (germline): Uncertain significance. Review status: criteria provided, multiple submitters, no conflicts (2 of 4 stars). 2 submissions from 2 submitters: Uncertain significance (2). Last evaluated 2026-01-06.

Conditions:
Cardiomyopathy (CMYO). Also called: Cardiomyopathies. Identifiers: Orphanet 167848, MedGen C0878544, MONDO:0004994, HP:0001638. Inheritance: Various modes of inheritance.
Arrhythmogenic right ventricular dysplasia 9 (ARVD9). Also called: ARRHYTHMOGENIC RIGHT VENTRICULAR DYSPLASIA, FAMILIAL, 9; Arrhythmogenic Right Ventricular Dysplasia/Cardiomyopathy 9. Identifiers: MedGen C1836906, MONDO:0012180, OMIM 609040.

Allele frequency attached by ClinVar (database versions not stated): TOPMed 0.00001; gnomAD 0.00002.

Submissions (2):

Labcorp Genetics (formerly Invitae), Labcorp
Classification: Uncertain significance for Arrhythmogenic right ventricular dysplasia 9. Last evaluated: 2026-01-06. Review status: criteria provided, single submitter. Criteria: Invitae Variant Classification Sherloc (09022015). Collection method: clinical testing. Allele origin: germline.
Comment: This sequence change replaces asparagine, which is neutral and polar, with aspartic acid, which is acidic and polar, at codon 869 of the PKP2 protein (p.Asn869Asp). The frequency data for this variant in the population databases is considered unreliable, as metrics indicate poor data quality at this position in the gnomAD database. This variant has not been reported in the literature in individuals affected with PKP2-related conditions. ClinVar contains an entry for this variant (Variation ID: 2774072). An algorithm developed to predict the effect of missense changes on protein structure and function (PolyPhen-2) suggests that this variant is likely to be disruptive. In summary, the available evidence is currently insufficient to determine the role of this variant in disease. Therefore, it has been classified as a Variant of Uncertain Significance.

Color Diagnostics, LLC DBA Color Health
Classification: Uncertain significance for Cardiomyopathy. Last evaluated: 2023-08-07. Review status: criteria provided, single submitter. Criteria: ACMG Guidelines, 2015. Collection method: clinical testing. Allele origin: germline.
Comment: This missense variant replaces asparagine with aspartic acid at codon 869 of the PKP2 protein. Computational prediction suggests that this variant may not impact protein structure and function (internally defined REVEL score threshold <= 0.5, PMID: 27666373). To our knowledge, functional studies have not been reported for this variant. This variant has not been reported in individuals affected with PKP2-related disorders in the literature. This variant has been identified in 3/31408 chromosomes in the general population by the Genome Aggregation Database (gnomAD). The available evidence is insufficient to determine the role of this variant in disease conclusively. Therefore, this variant is classified as a Variant of Uncertain Significance.